The following is an entry in ClinVar:

NM_001844.5(COL2A1):c.3328G>T (p.Gly1110Cys)

Gene: COL2A1 (collagen type II alpha 1 chain; minus strand). Cytogenetic location: 12q13.11.
Variant type: single nucleotide variant.
Coding change: c.3328G>T on transcript NM_001844.5 (MANE Select); coding-DNA position 3328, G replaced by T.
Protein change: p.Gly1110Cys; replaces glycine 1110 with cysteine.
Molecular consequence: missense variant.
Genome position (GRCh38, 1-based): chr12:47,976,919, C>A on the plus strand (G>T on the coding strand, the complement: COL2A1 is on the minus strand). VCF-style: chr12-47976919-C-A. GRCh37 (hg19) VCF-style: chr12-48370702-C-A.
Other names: c.3121G>T, p.Gly1041Cys (NM_033150.3); short protein forms G1041C, G1110C.
Identifiers: ClinVar variation 995617 (VCV000995617.9), dbSNP rs1938737050, ClinGen allele CA384539258.

ClinVar aggregate classification (germline): Pathogenic (1 of 4 stars; one submission).

Allele frequency attached by ClinVar (database versions not stated): gnomAD exomes below 0.00001.
gnomAD v4.1: 1 of 1,602,162 alleles (0.000062%); highest among the groups gnomAD compares: South Asian, 0.0011%; no homozygotes.

Submission:

ARUP Laboratories, Molecular Genetics and Genomics, ARUP Laboratories
Classification: Pathogenic. Last evaluated: 2021-04-23. Review status: criteria provided, single submitter. Criteria: ARUP Molecular Germline Variant Investigation Process 2021. Collection method: clinical testing. Allele origin: germline.
Comment: The COL2A1 c.3328G>T; p.Gly1110Cys variant, also known as Gly990Cys in traditional nomenclature, is reported in the literature in at least one individual affected with a lethal skeletal dysplasia (Mortier 2000). This variant is absent from general population databases (Exome Variant Server, Genome Aggregation Database), indicating it is not a common polymorphism. The glycine at codon 1110 is highly conserved, computational analyses (SIFT, PolyPhen-2) predict that this variant is deleterious, and another missense variant at the same codon (p.Gly1110Ser) has been described in an individual with spondyloepiphyseal dysplasia (Barat-Houari 2016b). The p.Gly1110Cys variant disrupts the repeating Gly-X-Y sequence motif of the collagen triple helix and is predicted to impair collagen function (Barat-Houari 2016a). Based on available information, this variant is considered to be pathogenic. References: Barat-Houari M et al. Mutation Update for COL2A1 Gene Variants Associated with Type II Collagenopathies. Hum Mutat. 2016a Jan;37(1):7-15. Barat-Houari M et al. The expanding spectrum of COL2A1 gene variants IN 136 patients with a skeletal dysplasia phenotype. Eur J Hum Genet. 2016b Jul;24(7):992-1000. Mortier GR et al. Report of five novel and one recurrent COL2A1 mutations with analysis of genotype-phenotype correlation in patients with a lethal type II collagen disorder. J Med Genet. 2000 Apr;37(4):263-71.